The following is an entry in ClinVar:

ClinVar aggregate classification (germline): Uncertain significance (1 of 4 stars; one submission).

Submission:

Labcorp Genetics (formerly Invitae), Labcorp
Classification: Uncertain significance. Last evaluated: 2025-05-01. Review status: criteria provided, single submitter. Criteria: Invitae Variant Classification Sherloc (09022015). Collection method: clinical testing. Allele origin: germline.
Comment: This sequence change replaces isoleucine, which is neutral and non-polar, with asparagine, which is neutral and polar, at codon 583 of the NTRK2 protein (p.Ile583Asn). This variant is not present in population databases (gnomAD no frequency). This variant has not been reported in the literature in individuals affected with NTRK2-related conditions. Invitae Evidence Modeling of protein sequence and biophysical properties (such as structural, functional, and spatial information, amino acid conservation, physicochemical variation, residue mobility, and thermodynamic stability) indicates that this missense variant is not expected to disrupt NTRK2 protein function with a negative predictive value of 80%. In summary, the available evidence is currently insufficient to determine the role of this variant in disease. Therefore, it has been classified as a Variant of Uncertain Significance.

NM_006180.6(NTRK2):c.1748T>A (p.Ile583Asn)

Gene: NTRK2 (neurotrophic receptor tyrosine kinase 2; plus strand). Cytogenetic location: 9q21.33.
Variant type: single nucleotide variant.
Coding change: c.1748T>A on transcript NM_006180.6 (MANE Select); coding-DNA position 1748, T replaced by A.
Protein change: p.Ile583Asn; replaces isoleucine 583 with asparagine.
Molecular consequence: missense variant.
Genome position (GRCh38, 1-based): chr9:84,934,276, T>A. VCF-style: chr9-84934276-T-A. GRCh37 (hg19) VCF-style: chr9-87549191-T-A.
Other names: c.1700T>A, p.Ile567Asn (NM_001018064.3, NM_001369532.1, NM_001369533.1); c.1664T>A, p.Ile555Asn (NM_001369534.1); c.1232T>A, p.Ile411Asn (NM_001369535.1); c.1280T>A, p.Ile427Asn (NM_001369536.1); short protein forms I427N, I567N, I583N, I555N, I411N.
Identifiers: ClinVar variation 4762770 (VCV004762770.1).
Genomic context (GRCh38, chr9:84,934,276, plus strand): 5'-GAGCCTTTGGAAAAGTGTTCCTAGCTGAATGCTATAACCTCTGTCCTGAGCAGGACAAGA[T>A]CTTGGTGGCAGTGAAGGTAAGAGAACATTCCAGAATGTCTCATTAACCATGATCACACTT-3'
Protein context (NP_006171.2, residues 573-593): CYNLCPEQDK[Ile583Asn]LVAVKTLKDA